The following is an entry in ClinVar:

ClinVar aggregate classification (germline): Likely benign (1 of 4 stars; one submission).

Submission:

CeGaT Center for Human Genetics Tuebingen
Classification: Likely benign. Last evaluated: 2022-11-01. Review status: criteria provided, single submitter. Criteria: CeGaT Center For Human Genetics Tuebingen Variant Classification Criteria Version 2. Collection method: clinical testing. Allele origin: germline. Affected: yes. Observed: 1 variant allele.
Comment: USH2A: BP4, BP7

NM_206933.4(USH2A):c.15327T>G (p.Ser5109=)

Gene: USH2A (usherin; minus strand). Cytogenetic location: 1q41.
Variant type: single nucleotide variant.
Coding change: c.15327T>G on transcript NM_206933.4 (MANE Select); coding-DNA position 15327, T replaced by G.
Protein change: p.Ser5109=; no amino-acid change (serine 5109 retained).
Molecular consequence: synonymous variant.
Genome position (GRCh38, 1-based): chr1:215,629,006, A>C on the plus strand (T>G on the coding strand, the complement: USH2A is on the minus strand). VCF-style: chr1-215629006-A-C. GRCh37 (hg19) VCF-style: chr1-215802348-A-C.
Identifiers: ClinVar variation 2639896 (VCV002639896.24), dbSNP rs757291187, ClinGen allele CA423425017.
Genomic context (GRCh38, chr1:215,629,006, plus strand): 5'-TTGACTCGGGATGCGCAGGACACATGCACTCCGGTTGCTGCGGATACTCACAGGTGTCCC[A>C]GACCGGGGAATTTTGGTATCGGCTAACCCCTGAGAAGGAAGTTGCTGTGAGTATTTCACA-3'
Protein context (NP_996816.3, residues 5099-5119): MGLADTKIPR[Ser5109=]GTPVSIRSNR